The following is an entry in ClinVar:

NM_002972.4(SBF1):c.2112C>G (p.Asp704Glu)

Gene: SBF1 (SET binding factor 1; minus strand). Cytogenetic location: 22q13.33.
Variant type: single nucleotide variant.
Coding change: c.2112C>G on transcript NM_002972.4 (MANE Select); coding-DNA position 2112, C replaced by G.
Protein change: p.Asp704Glu; replaces aspartic acid 704 with glutamic acid.
Molecular consequence: missense variant.
Genome position (GRCh38, 1-based): chr22:50,462,574, G>C on the plus strand (C>G on the coding strand, the complement: SBF1 is on the minus strand). VCF-style: chr22-50462574-G-C. GRCh37 (hg19) VCF-style: chr22-50901003-G-C.
Other names: c.2115C>G, p.Asp705Glu (NM_001365819.1); short protein forms D705E, D704E.
Identifiers: ClinVar variation 1348080 (VCV001348080.5), dbSNP rs759353918, ClinGen allele CA10317365.

ClinVar aggregate classification (germline): Uncertain significance (1 of 4 stars; one submission).

Allele frequency attached by ClinVar (database versions not stated): gnomAD exomes 0.00001; ExAC 0.00003.
gnomAD v4.1: 21 of 1,611,848 alleles (0.0013%); highest among the groups gnomAD compares: Middle Eastern, 0.017%; no homozygotes.

Submission:

Labcorp Genetics (formerly Invitae), Labcorp
Classification: Uncertain significance. Last evaluated: 2021-08-27. Review status: criteria provided, single submitter. Criteria: Invitae Variant Classification Sherloc (09022015). Collection method: clinical testing. Allele origin: germline.
Comment: This sequence change replaces aspartic acid with glutamic acid at codon 704 of the SBF1 protein (p.Asp704Glu). The aspartic acid residue is weakly conserved and there is a small physicochemical difference between aspartic acid and glutamic acid. This variant is present in population databases (rs759353918, ExAC 0.005%). This variant has not been reported in the literature in individuals affected with SBF1-related conditions. Algorithms developed to predict the effect of missense changes on protein structure and function output the following: SIFT: "Tolerated"; PolyPhen-2: "Benign"; Align-GVGD: "Class C0". The glutamic acid amino acid residue is found in multiple mammalian species, which suggests that this missense change does not adversely affect protein function. In summary, the available evidence is currently insufficient to determine the role of this variant in disease. Therefore, it has been classified as a Variant of Uncertain Significance.